The following is an entry in ClinVar:

NM_005908.4(MANBA):c.1511_1512insAATA (p.Ser505fs)

Gene: MANBA (mannosidase beta; minus strand). Cytogenetic location: 4q24.
Variant type: Insertion.
Coding change: c.1511_1512insAATA on transcript NM_005908.4 (MANE Select); coding-DNA positions 1511 to 1512, AATA inserted.
Protein change: p.Ser505fs; shifts the reading frame from serine 505.
Molecular consequence: frameshift variant.
Genome position: GRCh38 VCF-style: chr4-102657874-C-CTATT. GRCh37 (hg19) VCF-style: chr4-103579031-C-CTATT.
Other names: short protein forms S505fs.
Identifiers: ClinVar variation 871108 (VCV000871108.43), dbSNP rs760992372, ClinGen allele CA3026870.

ClinVar aggregate classification (germline): Pathogenic/Likely pathogenic. Review status: criteria provided, multiple submitters, no conflicts (2 of 4 stars). 2 submissions from 2 submitters: Pathogenic (1); Likely pathogenic (1). Last evaluated 2024-02-24.

Conditions:
Beta-D-mannosidosis (MANSB). Also called: MANNOSIDOSIS, BETA A, LYSOSOMAL; Beta-Mannosidosis; BETA-MANNOSIDASE DEFICIENCY; LYSOSOMAL BETA-MANNOSIDASE DEFICIENCY. Identifiers: Orphanet 118, MedGen C4048196, MONDO:0009562, OMIM 248510.

Allele frequency attached by ClinVar (database versions not stated): gnomAD below 0.00001 and 0.00001; gnomAD exomes 0.00002 and 0.00004; ExAC 0.00005.

Submissions (2):

Labcorp Genetics (formerly Invitae), Labcorp
Classification: Pathogenic for Beta-D-mannosidosis. Last evaluated: 2024-02-24. Review status: criteria provided, single submitter. Criteria: Invitae Variant Classification Sherloc (09022015). Collection method: clinical testing. Allele origin: germline.
Comment: This sequence change creates a premature translational stop signal (p.Ser505Ilefs*9) in the MANBA gene. It is expected to result in an absent or disrupted protein product. Loss-of-function variants in MANBA are known to be pathogenic (PMID: 9384606, 12468273). This variant is present in population databases (rs760992372, gnomAD 0.03%). This variant has not been reported in the literature in individuals affected with MANBA-related conditions. ClinVar contains an entry for this variant (Variation ID: 871108). Algorithms developed to predict the effect of sequence changes on RNA splicing suggest that this variant may disrupt the consensus splice site. For these reasons, this variant has been classified as Pathogenic.

CeGaT Center for Human Genetics Tuebingen
Classification: Likely pathogenic. Last evaluated: 2019-11-01. Review status: criteria provided, single submitter. Criteria: CeGaT Center For Human Genetics Tuebingen Variant Classification Criteria Version 2. Collection method: clinical testing. Allele origin: germline. Affected: yes. Observed: 1 variant allele.

Literature cited by the submitters: PubMed 9384606 (cited by Labcorp Genetics (formerly Invitae), Labcorp); PubMed 12468273 (cited by Labcorp Genetics (formerly Invitae), Labcorp).